The following is an entry in ClinVar:

ClinVar aggregate classification (germline): Likely benign. Review status: criteria provided, multiple submitters, no conflicts (2 of 4 stars). 3 submissions from 3 submitters: Likely benign (2). 1 of the submissions does not count toward it. Last evaluated 2025-08-04.

Conditions:
DICER1-related disorder. Also called: DICER1-related condition.
DICER1-related tumor predisposition. Also called: DICER1-related pleuropulmonary blastoma cancer predisposition syndrome; DICER1 syndrome. Identifiers: Orphanet 284343, MedGen C3839822, MONDO:0100216.
Hereditary cancer-predisposing syndrome. Also called: Tumor predisposition; Neoplastic Syndromes, Hereditary; Hereditary Cancer Syndrome; Hereditary neoplastic syndrome. Identifiers: Orphanet 140162, MedGen C0027672, MeSH D009386, MONDO:0015356.

Allele frequency attached by ClinVar (database versions not stated): gnomAD exomes below 0.00001.
gnomAD v4.1: 1 of 1,613,944 alleles (0.000062%); highest among the groups gnomAD compares: Non-Finnish European, 0.000085%; no homozygotes.

Submissions (3):

Labcorp Genetics (formerly Invitae), Labcorp
Classification: Likely benign for DICER1-related tumor predisposition. Last evaluated: 2025-08-04. Review status: criteria provided, single submitter. Criteria: Invitae Variant Classification Sherloc (09022015). Collection method: clinical testing. Allele origin: germline.

Ambry Genetics
Classification: Likely benign for Hereditary cancer-predisposing syndrome. Last evaluated: 2017-07-24. Review status: criteria provided, single submitter. Criteria: Ambry Variant Classification Scheme 2023. Collection method: clinical testing. Allele origin: germline.

PreventionGenetics, part of Exact Sciences
Classification: Likely benign for DICER1-related condition. Last evaluated: 2024-04-12. Review status: no assertion criteria provided. Collection method: clinical testing. Allele origin: germline. Not counted in ClinVar's aggregate classification.
Comment: This variant is classified as likely benign based on ACMG/AMP sequence variant interpretation guidelines (Richards et al. 2015 PMID: 25741868, with internal and published modifications).

NM_177438.3(DICER1):c.39C>T (p.Gly13=)

Gene: DICER1 (dicer 1, ribonuclease III; minus strand). Cytogenetic location: 14q32.13.
Variant type: single nucleotide variant.
Coding change: c.39C>T on transcript NM_177438.3 (MANE Select); coding-DNA position 39, C replaced by T.
Protein change: p.Gly13=; no amino-acid change (glycine 13 retained).
Molecular consequence: synonymous variant.
Genome position (GRCh38, 1-based): chr14:95,133,420, G>A on the plus strand (C>T on the coding strand, the complement: DICER1 is on the minus strand). VCF-style: chr14-95133420-G-A. GRCh37 (hg19) VCF-style: chr14-95599757-G-A.
Other names: c.39C>T, p.Gly13= (NM_001195573.1, NM_001271282.3, NM_001291628.2 and 1 more transcripts).
Identifiers: ClinVar variation 479653 (VCV000479653.15), dbSNP rs1555376594, ClinGen allele CA487634221.